The following is an entry in ClinVar:

NM_001909.5(CTSD):c.828-14_828-13del

Gene: CTSD (cathepsin D; minus strand). Cytogenetic location: 11p15.5.
Variant type: Deletion.
Coding change: c.828-14_828-13del on transcript NM_001909.5 (MANE Select); 14 bases into the intron before coding-DNA position 828 through 13 bases into the intron before coding-DNA position 828, 2 bases deleted (CT; older notation c.828-14_828-13delCT).
Molecular consequence: intron variant.
Genome position (GRCh38, 1-based): chr11:1,754,151-1,754,152, AG deleted on the plus strand (CT on the coding strand, the reverse complement: CTSD is on the minus strand). VCF-style (leftmost placement, unchanged base first): chr11-1754150-CAG-C. GRCh37 (hg19) VCF-style: chr11-1775380-CAG-C.
Identifiers: ClinVar variation 205331 (VCV000205331.8), dbSNP rs796052395, ClinGen allele CA314307.

ClinVar aggregate classification (germline): Benign/Likely benign. Review status: criteria provided, multiple submitters, no conflicts (2 of 4 stars). 2 submissions from 2 submitters: Benign (1); Likely benign (1). Last evaluated 2025-09-08.

Conditions:
Neuronal ceroid lipofuscinosis. Also called: Neuronal Ceroid Lipofuscinoses. Identifiers: Orphanet 216, Orphanet 79263, MedGen C0027877, MONDO:0016295. Disease mechanism: loss of function.

Allele frequency attached by ClinVar (database versions not stated): gnomAD exomes below 0.00001 and 0.00001; gnomAD 0.00001; TOPMed 0.00002.

Submissions (2):

Labcorp Genetics (formerly Invitae), Labcorp
Classification: Likely benign for Neuronal ceroid lipofuscinosis. Last evaluated: 2025-09-08. Review status: criteria provided, single submitter. Criteria: Invitae Variant Classification Sherloc (09022015). Collection method: clinical testing. Allele origin: germline.

GeneDx
Classification: Benign. Last evaluated: 2013-04-05. Review status: criteria provided, single submitter. Criteria: GeneDx Variant Classification (06012015). Collection method: clinical testing. Allele origin: germline. Affected: yes.
Comment: The variant is found in EPILEPSY,CHILD-EPI panel(s).